The following is an entry in ClinVar:

ClinVar aggregate classification (germline): Uncertain significance (1 of 4 stars; one submission).

gnomAD v4.1: 1 of 1,614,202 alleles (0.000062%); highest among the groups gnomAD compares: Admixed American, 0.0017%; no homozygotes.

Submission:

Labcorp Genetics (formerly Invitae), Labcorp
Classification: Uncertain significance. Last evaluated: 2023-12-31. Review status: criteria provided, single submitter. Criteria: Invitae Variant Classification Sherloc (09022015). Collection method: clinical testing. Allele origin: germline.
Comment: This sequence change replaces alanine, which is neutral and non-polar, with glycine, which is neutral and non-polar, at codon 547 of the FLNB protein (p.Ala547Gly). This variant is not present in population databases (gnomAD no frequency). This variant has not been reported in the literature in individuals affected with FLNB-related conditions. Advanced modeling of protein sequence and biophysical properties (such as structural, functional, and spatial information, amino acid conservation, physicochemical variation, residue mobility, and thermodynamic stability) performed at Invitae indicates that this missense variant is not expected to disrupt FLNB protein function with a negative predictive value of 95%. In summary, the available evidence is currently insufficient to determine the role of this variant in disease. Therefore, it has been classified as a Variant of Uncertain Significance.

NM_001457.4(FLNB):c.1640C>G (p.Ala547Gly)

Gene: FLNB (filamin B; plus strand). Cytogenetic location: 3p14.3.
Variant type: single nucleotide variant.
Coding change: c.1640C>G on transcript NM_001457.4 (MANE Select); coding-DNA position 1640, C replaced by G.
Protein change: p.Ala547Gly; replaces alanine 547 with glycine.
Molecular consequence: missense variant.
Genome position (GRCh38, 1-based): chr3:58,105,109, C>G. VCF-style: chr3-58105109-C-G. GRCh37 (hg19) VCF-style: chr3-58090836-C-G.
Other names: c.1640C>G, p.Ala547Gly (NM_001164317.2, NM_001164318.2, NM_001164319.2); short protein forms A547G.
Identifiers: ClinVar variation 3002704 (VCV003002704.3), dbSNP rs200619215, ClinGen allele CA353338931.